The following is an entry in ClinVar:

ClinVar aggregate classification (germline): Conflicting classifications of pathogenicity. Review status: criteria provided, conflicting classifications (1 of 4 stars). 2 submissions from 2 submitters: Uncertain significance (1); Likely benign (1). Last evaluated 2024-10-01.

Conditions:
Spastic paraplegia. Identifiers: MedGen C0037772, HP:0001258.

Submissions (2):

CeGaT Center for Human Genetics Tuebingen
Classification: Uncertain significance. Last evaluated: 2024-10-01. Review status: criteria provided, single submitter. Criteria: CeGaT Center For Human Genetics Tuebingen Variant Classification Criteria Version 2. Collection method: clinical testing. Allele origin: germline. Affected: yes. Observed: 1 variant allele.
Comment: L1CAM: PM2, BP4

Labcorp Genetics (formerly Invitae), Labcorp
Classification: Likely benign for Spastic paraplegia. Last evaluated: 2023-02-26. Review status: criteria provided, single submitter. Criteria: Invitae Variant Classification Sherloc (09022015). Collection method: clinical testing. Allele origin: germline.

NM_001278116.2(L1CAM):c.1396A>G (p.Thr466Ala)

Gene: L1CAM (L1 cell adhesion molecule; minus strand). Cytogenetic location: Xq28.
Variant type: single nucleotide variant.
Coding change: c.1396A>G on transcript NM_001278116.2 (MANE Select); coding-DNA position 1396, A replaced by G.
Protein change: p.Thr466Ala; replaces threonine 466 with alanine.
Molecular consequence: missense variant.
Genome position (GRCh38, 1-based): chrX:153,868,711, T>C on the plus strand (A>G on the coding strand, the complement: L1CAM is on the minus strand). VCF-style: chrX-153868711-T-C. GRCh37 (hg19) VCF-style: chrX-153134166-T-C.
Other names: c.1396A>G, p.Thr466Ala (NM_000425.5, NM_024003.3); c.1381A>G, p.Thr461Ala (NM_001143963.2); short protein forms T466A, T461A.
Identifiers: ClinVar variation 2960798 (VCV002960798.17), dbSNP rs201070961, ClinGen allele CA415126391.
Genomic context (GRCh38, chrX:153,868,711, plus strand): 5'-CTCGAATGCCCAGGGTCCCATTGGCATAGGGGAAGAAGCGTTCGTCCTGAAGCACTGTTG[T>C]CCCATCCTCGTCCAGCCTGGAGGGAGCAGGGCGGGCCTGGCTCTGACTGGCTGGCCTGGG-3'
Protein context (NP_001265045.1, residues 456-476): PSVQWLDEDG[Thr466Ala]TVLQDERFFP